The following is an entry in ClinVar:

ClinVar aggregate classification (germline): Uncertain significance. Review status: criteria provided, multiple submitters, no conflicts (2 of 4 stars). 2 submissions from 2 submitters: Uncertain significance (2). Last evaluated 2025-12-31.

Conditions:
Autosomal dominant nonsyndromic hearing loss 1. Also called: KONIGSMARK SYNDROME; DEAFNESS, AUTOSOMAL DOMINANT 1, WITH OR WITHOUT THROMBOCYTOPENIA. Identifiers: Orphanet 90635, MedGen C1852282, MONDO:0007424, OMIM 124900.
Progressive microcephaly-seizures-cortical blindness-developmental delay syndrome. Also called: Seizures, cortical blindness, and microcephaly syndrome. Identifiers: Orphanet 477814, MedGen C5567650, MONDO:0014714, OMIM 616632.

Allele frequency attached by ClinVar (database versions not stated): ESP Exome Variant Server 0.00008.
gnomAD v4.1: 25 of 1,545,092 alleles (0.0016%); highest among the groups gnomAD compares: Middle Eastern, 0.017%; no homozygotes.

Submissions (2):

Labcorp Genetics (formerly Invitae), Labcorp
Classification: Uncertain significance for Progressive microcephaly-seizures-cortical blindness-developmental delay syndrome; Autosomal dominant nonsyndromic hearing loss 1. Last evaluated: 2025-12-31. Review status: criteria provided, single submitter. Criteria: Invitae Variant Classification Sherloc (09022015). Collection method: clinical testing. Allele origin: germline.
Comment: This sequence change replaces proline, which is neutral and non-polar, with histidine, which is basic and polar, at codon 655 of the DIAPH1 protein (p.Pro655His). The frequency data for this variant in the population databases is considered unreliable, as metrics indicate poor data quality at this position in the gnomAD database. This variant has not been reported in the literature in individuals affected with DIAPH1-related conditions. ClinVar contains an entry for this variant (Variation ID: 351292). Experimental studies and prediction algorithms are not available or were not evaluated, and the functional significance of this variant is currently unknown. In summary, the available evidence is currently insufficient to determine the role of this variant in disease. Therefore, it has been classified as a Variant of Uncertain Significance.

Illumina Laboratory Services, Illumina
Classification: Uncertain significance for Autosomal dominant nonsyndromic hearing loss 1. Last evaluated: 2018-01-13. Review status: criteria provided, single submitter. Criteria: ICSL Variant Classification Criteria 13 December 2019. Collection method: clinical testing. Allele origin: germline.

NM_005219.5(DIAPH1):c.1964C>A (p.Pro655His)

Gene: DIAPH1 (diaphanous related formin 1; minus strand). Cytogenetic location: 5q31.3.
Variant type: single nucleotide variant.
Coding change: c.1964C>A on transcript NM_005219.5 (MANE Select); coding-DNA position 1964, C replaced by A.
Protein change: p.Pro655His; replaces proline 655 with histidine.
Molecular consequence: missense variant.
Genome position (GRCh38, 1-based): chr5:141,573,886, G>T on the plus strand (C>A on the coding strand, the complement: DIAPH1 is on the minus strand). VCF-style: chr5-141573886-G-T. GRCh37 (hg19) VCF-style: chr5-140953453-G-T.
Other names: c.1937C>A, p.Pro646His (NM_001079812.3); c.1964C>A, p.Pro655His (NM_001314007.2); short protein forms P655H, P646H.
Identifiers: ClinVar variation 351292 (VCV000351292.13), dbSNP rs367669306, ClinGen allele CA10620385.
Genomic context (GRCh38, chr5:141,573,886, plus strand): 5'-ATGGCAGTACCTCCAGGCAAAGAAGAGGGTGAAGGGATGCCAACACCCTCAGGCAAAGGA[G>T]GGGGTGGAGGGATGGTAGCATCCCCAGACAAAGGAGGGGGTGGAGAGATAGCAGTACCTC-3'
Protein context (NP_005210.3, residues 645-665): LSGDATIPPP[Pro655His]PLPEGVGIPS